The following is an entry in ClinVar:

ClinVar aggregate classification (germline): Pathogenic/Likely pathogenic. Review status: criteria provided, multiple submitters, no conflicts (2 of 4 stars). 3 submissions from 3 submitters: Pathogenic (2); Likely pathogenic (1). Last evaluated 2024-09-10.

Conditions:
RPS6KA3-related disorder. Also called: RPS6KA3-related condition.
Coffin-Lowry syndrome (CLS). Also called: Mental retardation with osteocartilaginous abnormalities; COFFIN-LOWRY SYNDROME, MILD. Identifiers: Orphanet 192, MedGen C0265252, MONDO:0010561, OMIM 303600.
Intellectual developmental disorder, X-linked 19. Also called: Intellectual disability, X-linked 19. Identifiers: Orphanet 777, MedGen C0796225, MONDO:0010447, OMIM 300844.

Submissions (3):

Blueprint Genetics
Classification: Pathogenic for RPS6KA3-related disorders. Last evaluated: 2024-09-10. Review status: criteria provided, single submitter. Criteria: ACMG Guidelines, 2015. Collection method: clinical testing. Allele origin: germline. Affected: yes. Observed: 2 variant alleles.

Neuberg Centre For Genomic Medicine, NCGM
Classification: Likely pathogenic for Intellectual developmental disorder, X-linked 19. Last evaluated: 2023-05-20. Review status: criteria provided, single submitter. Criteria: ACMG Guidelines, 2015. Collection method: clinical testing. Allele origin: germline. Affected: yes.
Comment: The observed frameshift c.889_890del(p.Leu298PhefsTer21) variant in RPS6KA3 gene has been reported previously in heterozygous state in individual(s) affected with Coffin–Lowry syndrome (Delaunoy et al., 2006). This variant is absent in gnomAD Exomes. This variant has been reported to the ClinVar database as Pathogenic. This variant causes a frameshift starting with codon Leucine 298, changes this amino acid to Phenylalanine residue, and creates a premature Stop codon at position 21 of the new reading frame, denoted p.Leu298PhefsTer21. This variant is predicted to cause loss of normal protein function through protein truncation. Loss of function variants have been previously reported to be disease causing. For these reasons, this variant has been classified as Likely Pathogenic.

Victorian Clinical Genetics Services, Murdoch Childrens Research Institute
Classification: Pathogenic for Coffin-Lowry syndrome. Last evaluated: 2021-05-06. Review status: criteria provided, single submitter. Criteria: ACMG Guidelines, 2015. Collection method: clinical testing. Allele origin: germline. Inheritance: X-linked dominant inheritance.
Comment: Based on the classification scheme VCGS_Germline_v1.3.4, this variant is classified as Pathogenic. Following criteria are met: 0102 - Loss of function is a known mechanism of disease in this gene and is associated with Coffin-Lowry syndrome (MIM#303600) and X-linked intellectual disability 19 (MIM#300844). (I) 0110 - This gene is associated with X-linked dominant disease. (I) 0115 - Variants in this gene are known to have variable expressivity. Although hemizygous males are always affected, females heterozygous for pathogenic variants can be very mildly affected or unaffected (PMID: 19888300). (I) 0201 - Variant is predicted to cause nonsense-mediated decay (NMD) and loss of protein (premature termination codon is located at least 54 nucleotides upstream of the final exon-exon junction). (SP) 0253 - This variant is hemizygous. (I) 0301 - Variant is absent from gnomAD (both v2 and v3). (SP) 0701 - Other NMD-predicted variants comparable to the one identified in this case have very strong previous evidence for pathogenicity. Variants predicted to result in NMD in this gene have been reported in multiple individuals with Coffin-Lowry syndrome (ClinVar, PMID: 16879200). (SP) 0803 - This variant has limited previous evidence of pathogenicity in a unrelated individuals. This variant has been reported in two males with Coffin-Lowry syndrome (PMID: 16879200, Yoon, J. Y. and C. K. Cheon (2020)). (SP) 1007 - No published functional evidence has been identified for this variant. (I) 1208 - Inheritance information for this variant is not currently available in this individual. (I) Legend: (SP) - Supporting pathogenic, (I) - Information, (SB) - Supporting benign

Literature cited by the submitters: PubMed 16879200 (cited by Victorian Clinical Genetics Services, Murdoch Childrens Research Institute); PubMed 19888300 (cited by Victorian Clinical Genetics Services, Murdoch Childrens Research Institute).

NM_004586.3(RPS6KA3):c.889_890del (p.Leu298fs)

Gene: RPS6KA3 (ribosomal protein S6 kinase A3; minus strand). Cytogenetic location: Xp22.12.
Variant type: Microsatellite.
Coding change: c.889_890del on transcript NM_004586.3 (MANE Select); coding-DNA positions 889 to 890, 2 bases deleted (AG; older notation c.889_890delAG).
Protein change: p.Leu298fs; shifts the reading frame from leucine 298.
Molecular consequence: frameshift variant.
Genome position (GRCh38, 1-based): chrX:20,177,040-20,177,041, CT deleted on the plus strand (AG on the coding strand, the reverse complement: RPS6KA3 is on the minus strand); deleting any 2 consecutive bases within chrX:20,177,040-20,177,043 gives the same sequence; the c. name uses the placement nearest the transcript's 3' end. VCF-style (leftmost placement, unchanged base first): chrX-20177039-ACT-A. GRCh37 (hg19) VCF-style: chrX-20195157-ACT-A.
Other names: short protein forms L298fs.
Identifiers: ClinVar variation 1805036 (VCV001805036.3), dbSNP rs2519686958, ClinGen allele CA645601261.
Genomic context (GRCh38, chrX:20,177,039, plus strand): 5'-TTAGTTAAAATTTTTACCTAATCTGTTTGCAGGATTTCGCTTGAAAAGCATTCGTAAAAG[ACT>A]CTGCGCTTCAGGACTCAAAAACTGTGGCATTCCAAGTTTGGCTCTAAATAATAAATCCAC-3'